The following is an entry in ClinVar:

ClinVar aggregate classification (germline): Uncertain significance. Review status: criteria provided, multiple submitters, no conflicts (2 of 4 stars). 2 submissions from 2 submitters: Uncertain significance (2). Last evaluated 2025-01-14.

Conditions:
Cardiovascular phenotype. Identifiers: MedGen CN230736.

gnomAD v4.1: 1 of 1,614,172 alleles (0.000062%); highest among the groups gnomAD compares: East Asian, 0.0022%; no homozygotes.

Submissions (2):

Ambry Genetics
Classification: Uncertain significance for Cardiovascular phenotype. Last evaluated: 2025-01-14. Review status: criteria provided, single submitter. Criteria: Ambry Variant Classification Scheme 2023. Collection method: clinical testing. Allele origin: germline.
Comment: The p.R214I variant (also known as c.641G>T), located in coding exon 5 of the LPL gene, results from a G to T substitution at nucleotide position 641. The arginine at codon 214 is replaced by isoleucine, an amino acid with similar properties. This variant has been reported in a subject with hypertriglyceridemia who also carried a nonsense variant in LPL and a missense variant in LIPC (Buonuomo PS et al. J Clin Lipidol, 2017 Sep;11:1329-1337.e3). This amino acid position is highly conserved in available vertebrate species. In addition, this alteration is predicted to be deleterious by in silico analysis. Based on the available evidence, the clinical significance of this variant remains unclear.

Revvity Omics, Revvity
Classification: Uncertain significance. Last evaluated: 2019-04-24. Review status: criteria provided, single submitter. Criteria: ACMG Guidelines, 2015. Collection method: clinical testing. Allele origin: germline.

Literature cited by the submitters: PubMed 28951076 (cited by Ambry Genetics).

NM_000237.3(LPL):c.641G>T (p.Arg214Ile)

Gene: LPL (lipoprotein lipase; plus strand). Cytogenetic location: 8p21.3.
Variant type: single nucleotide variant.
Coding change: c.641G>T on transcript NM_000237.3 (MANE Select); coding-DNA position 641, G replaced by T.
Protein change: p.Arg214Ile; replaces arginine 214 with isoleucine.
Molecular consequence: missense variant.
Genome position (GRCh38, 1-based): chr8:19,954,219, G>T. VCF-style: chr8-19954219-G-T. GRCh37 (hg19) VCF-style: chr8-19811730-G-T.
Other names: short protein forms R214I.
Identifiers: ClinVar variation 2433509 (VCV002433509.4), dbSNP rs2540105771, ClinGen allele CA370468462.